The following is an entry in ClinVar:

ClinVar aggregate classification (germline): Uncertain significance (1 of 4 stars; one submission).

Conditions:
PNPT1-related disorder. Also called: PNPT1-related disorders; PNPT1-related condition.

Submission:

PreventionGenetics, part of Exact Sciences
Classification: Uncertain significance for PNPT1-related condition. Last evaluated: 2026-01-30. Review status: criteria provided, single submitter. Criteria: ACMG Guidelines, 2015. Collection method: clinical testing. Allele origin: germline.
Comment: The PNPT1 c.22T>G variant is predicted to result in the amino acid substitution p.Cys8Gly. To our knowledge, this variant has not been reported in the literature or in a large population database (gnomAD), indicating this variant is rare. At this time, the clinical significance of this variant is uncertain due to the absence of conclusive functional and genetic evidence.

NM_033109.5(PNPT1):c.22T>G (p.Cys8Gly)

Genes: PNPT1 (polyribonucleotide nucleotidyltransferase 1; minus strand), LOC129933771 (ATAC-STARR-seq lymphoblastoid active region 15786; plus strand). Cytogenetic location: 2p16.1.
Variant type: single nucleotide variant.
Coding change: c.22T>G on transcript NM_033109.5 (MANE Select); coding-DNA position 22, T replaced by G.
Protein change: p.Cys8Gly; replaces cysteine 8 with glycine.
Molecular consequence: missense variant.
Genome position (GRCh38, 1-based): chr2:55,693,802, A>C on the plus strand (T>G on the coding strand, the complement: PNPT1 is on the minus strand). VCF-style: chr2-55693802-A-C. GRCh37 (hg19) VCF-style: chr2-55920937-A-C.
Other names: short protein forms C8G.
Identifiers: ClinVar variation 4997612 (VCV004997612.1).